The following is an entry in ClinVar:

NM_001378452.1(ITPR1):c.1205C>G (p.Thr402Arg)

Gene: ITPR1 (inositol 1,4,5-trisphosphate receptor type 1; plus strand). Cytogenetic location: 3p26.1.
Variant type: single nucleotide variant.
Coding change: c.1205C>G on transcript NM_001378452.1 (MANE Select); coding-DNA position 1205, C replaced by G.
Protein change: p.Thr402Arg; replaces threonine 402 with arginine.
Molecular consequence: missense variant.
Genome position (GRCh38, 1-based): chr3:4,661,041, C>G. VCF-style: chr3-4661041-C-G. GRCh37 (hg19) VCF-style: chr3-4702725-C-G.
Other names: c.1205C>G, p.Thr402Arg (NM_001099952.4); c.1160C>G, p.Thr387Arg (NM_001168272.2, NM_002222.7); short protein forms T402R, T387R.
Identifiers: ClinVar variation 3659516 (VCV003659516.2).

ClinVar aggregate classification (germline): Uncertain significance (1 of 4 stars; one submission).

gnomAD v4.1: 1 of 1,611,044 alleles (0.000062%); highest among the groups gnomAD compares: Non-Finnish European, 0.000085%; no homozygotes.

Submission:

Labcorp Genetics (formerly Invitae), Labcorp
Classification: Uncertain significance. Last evaluated: 2025-01-13. Review status: criteria provided, single submitter. Criteria: Invitae Variant Classification Sherloc (09022015). Collection method: clinical testing. Allele origin: germline.
Comment: This sequence change replaces threonine, which is neutral and polar, with arginine, which is basic and polar, at codon 387 of the ITPR1 protein (p.Thr387Arg). This variant is not present in population databases (gnomAD no frequency). This variant has not been reported in the literature in individuals affected with ITPR1-related conditions. Invitae Evidence Modeling of protein sequence and biophysical properties (such as structural, functional, and spatial information, amino acid conservation, physicochemical variation, residue mobility, and thermodynamic stability) has been performed for this missense variant. However, the output from this modeling did not meet the statistical confidence thresholds required to predict the impact of this variant on ITPR1 protein function. In summary, the available evidence is currently insufficient to determine the role of this variant in disease. Therefore, it has been classified as a Variant of Uncertain Significance.